The following is an entry in ClinVar:

ClinVar aggregate classification (germline): Likely benign. Review status: criteria provided, multiple submitters, no conflicts (2 of 4 stars). 3 submissions from 3 submitters: Likely benign (2). 1 of the submissions does not count toward it. Last evaluated 2021-10-12.

Conditions:
CLPB-related disorder. Also called: CLPB-related condition.
Inborn genetic diseases. Identifiers: MedGen C0950123, MeSH D030342.

Allele frequency attached by ClinVar (database versions not stated): gnomAD exomes 0.00011 and 0.00027; ExAC 0.00046; gnomAD 0.00123 and 0.00133; TOPMed 0.00138; 1000 Genomes Project 0.00180; 1000 Genomes Project 30x 0.00187.
gnomAD v4.1: 355 of 1,614,056 alleles (0.022%); highest among the groups gnomAD compares: African/African-American, 0.44%; 1 homozygote.

Submissions (3):

Ambry Genetics
Classification: Likely benign for Inborn genetic diseases. Last evaluated: 2021-10-12. Review status: criteria provided, single submitter. Criteria: Ambry Variant Classification Scheme 2023. Collection method: clinical testing. Allele origin: germline.

Labcorp Genetics (formerly Invitae), Labcorp
Classification: Likely benign. Last evaluated: 2017-07-10. Review status: criteria provided, single submitter. Criteria: Invitae Variant Classification Sherloc (09022015). Collection method: clinical testing. Allele origin: germline.

PreventionGenetics, part of Exact Sciences
Classification: Likely benign for CLPB-related condition. Last evaluated: 2024-07-15. Review status: no assertion criteria provided. Collection method: clinical testing. Allele origin: germline. Not counted in ClinVar's aggregate classification.
Comment: This variant is classified as likely benign based on ACMG/AMP sequence variant interpretation guidelines (Richards et al. 2015 PMID: 25741868, with internal and published modifications).

NM_001258392.3(CLPB):c.1475C>G (p.Ala492Gly)

Gene: CLPB (ClpB family mitochondrial disaggregase; minus strand). Cytogenetic location: 11q13.4.
Variant type: single nucleotide variant.
Coding change: c.1475C>G on transcript NM_001258392.3 (MANE Select); coding-DNA position 1475, C replaced by G.
Protein change: p.Ala492Gly; replaces alanine 492 with glycine.
Molecular consequence: missense variant.
Genome position (GRCh38, 1-based): chr11:72,295,503, G>C on the plus strand (C>G on the coding strand, the complement: CLPB is on the minus strand). VCF-style: chr11-72295503-G-C. GRCh37 (hg19) VCF-style: chr11-72006547-G-C.
Other names: c.1388C>G, p.Ala463Gly (NM_001258393.3); c.1430C>G, p.Ala477Gly (NM_001258394.3); c.1565C>G, p.Ala522Gly (NM_030813.6); c.1565C>G (NM_030813.3); short protein forms A492G, A522G, A463G, A477G.
Identifiers: ClinVar variation 784199 (VCV000784199.8), dbSNP rs149985372, ClinGen allele CA6171161.